The following is an entry in ClinVar:

NM_002103.5(GYS1):c.383G>A (p.Arg128His)

Gene: GYS1 (glycogen synthase 1; minus strand). Cytogenetic location: 19q13.33.
Variant type: single nucleotide variant.
Coding change: c.383G>A on transcript NM_002103.5 (MANE Select); coding-DNA position 383, G replaced by A.
Protein change: p.Arg128His; replaces arginine 128 with histidine.
Molecular consequence: missense variant. On other transcripts: non-coding transcript variant (1), intron variant (1).
Genome position (GRCh38, 1-based): chr19:48,987,303, C>T on the plus strand (G>A on the coding strand, the complement: GYS1 is on the minus strand). VCF-style: chr19-48987303-C-T. GRCh37 (hg19) VCF-style: chr19-49490560-C-T.
Other names: c.383G>A (NM_002103.4); c.301-1268G>A (NM_001161587.2); short protein forms R128H.
Identifiers: ClinVar variation 1514307 (VCV001514307.7), dbSNP rs755470149, ClinGen allele CA9563364.

ClinVar aggregate classification (germline): Uncertain significance. Review status: criteria provided, multiple submitters, no conflicts (2 of 4 stars). 2 submissions from 2 submitters: Uncertain significance (2). Last evaluated 2023-11-28.

Conditions:
Glycogen storage disease due to muscle and heart glycogen synthase deficiency. Also called: GSD 0b; MUSCLE GLYCOGEN SYNTHASE DEFICIENCY. Identifiers: Orphanet 137625, MedGen C1969054, MONDO:0012693, OMIM 611556.
Inborn genetic diseases. Identifiers: MedGen C0950123, MeSH D030342.

Allele frequency attached by ClinVar (database versions not stated): gnomAD exomes 0.00001; ExAC 0.00002.
gnomAD v4.1: 23 of 1,612,392 alleles (0.0014%); highest among the groups gnomAD compares: East Asian, 0.0022%; no homozygotes.

Submissions (2):

Ambry Genetics
Classification: Uncertain significance for Inborn genetic diseases. Last evaluated: 2023-11-28. Review status: criteria provided, single submitter. Criteria: Ambry Variant Classification Scheme 2023. Collection method: clinical testing. Allele origin: germline.

Labcorp Genetics (formerly Invitae), Labcorp
Classification: Uncertain significance for Glycogen storage disease due to muscle and heart glycogen synthase deficiency. Last evaluated: 2022-08-02. Review status: criteria provided, single submitter. Criteria: Invitae Variant Classification Sherloc (09022015). Collection method: clinical testing. Allele origin: germline.
Comment: In summary, the available evidence is currently insufficient to determine the role of this variant in disease. Therefore, it has been classified as a Variant of Uncertain Significance. Algorithms developed to predict the effect of missense changes on protein structure and function are either unavailable or do not agree on the potential impact of this missense change (SIFT: "Deleterious"; PolyPhen-2: "Possibly Damaging"; Align-GVGD: "Class C0"). ClinVar contains an entry for this variant (Variation ID: 1514307). This variant has not been reported in the literature in individuals affected with GYS1-related conditions. The frequency data for this variant in the population databases is considered unreliable, as metrics indicate poor data quality at this position in the gnomAD database. This sequence change replaces arginine, which is basic and polar, with histidine, which is basic and polar, at codon 128 of the GYS1 protein (p.Arg128His).